The following is an entry in ClinVar:

NM_000138.5(FBN1):c.7033C>T (p.Gln2345Ter)

Gene: FBN1 (fibrillin 1; minus strand). Cytogenetic location: 15q21.1.
Variant type: single nucleotide variant.
Coding change: c.7033C>T on transcript NM_000138.5 (MANE Select); coding-DNA position 7033, C replaced by T.
Protein change: p.Gln2345Ter; replaces glutamine 2345 with a stop codon.
Molecular consequence: nonsense.
Genome position (GRCh38, 1-based): chr15:48,427,738, G>A on the plus strand (C>T on the coding strand, the complement: FBN1 is on the minus strand). VCF-style: chr15-48427738-G-A. GRCh37 (hg19) VCF-style: chr15-48719935-G-A.
Other names: c.7033C>T, p.Gln2345Ter (NM_001406716.1); short protein forms Q2345*.
Identifiers: ClinVar variation 3757520 (VCV003757520.2).

ClinVar aggregate classification (germline): Pathogenic (1 of 4 stars; one submission).

Conditions:
Marfan syndrome (MFS). Also called: MARFAN SYNDROME, TYPE I; Marfan syndrome type 1; Marfan's syndrome; Marfan syndrome, classic; FBN1-Related Marfan Syndrome. Identifiers: Orphanet 284963, Orphanet 558, MedGen C0024796, MONDO:0007947, OMIM 154700.
Familial thoracic aortic aneurysm and aortic dissection (TAAD). Also called: Thoracic aortic aneurysms and dissections. Identifiers: Orphanet 91387, MedGen C4707243, MONDO:0019625.

Submission:

Labcorp Genetics (formerly Invitae), Labcorp
Classification: Pathogenic for Marfan syndrome; Familial thoracic aortic aneurysm and aortic dissection. Last evaluated: 2024-11-11. Review status: criteria provided, single submitter. Criteria: Invitae Variant Classification Sherloc (09022015). Collection method: clinical testing. Allele origin: germline.
Comment: This sequence change creates a premature translational stop signal (p.Gln2345*) in the FBN1 gene. It is expected to result in an absent or disrupted protein product. Loss-of-function variants in FBN1 are known to be pathogenic (PMID: 17657824, 19293843). This variant is not present in population databases (gnomAD no frequency). This variant has not been reported in the literature in individuals affected with FBN1-related conditions. For these reasons, this variant has been classified as Pathogenic.

Literature cited by the submitters: PubMed 17657824; PubMed 19293843.